The following is an entry in ClinVar:

NM_001365536.1(SCN9A):c.4206+6del

Genes: SCN1A-AS1 (SCN1A and SCN9A antisense RNA 1; plus strand), SCN9A (sodium voltage-gated channel alpha subunit 9; minus strand). Cytogenetic location: 2q24.3.
Variant type: Deletion.
Coding change: c.4206+6del on transcript NM_001365536.1 (MANE Select); 6 bases into the intron after coding-DNA position 4206, one base deleted (T; older notation c.4206+6delT).
Molecular consequence: intron variant.
Genome position (GRCh38, 1-based): chr2:166,228,685, A deleted on the plus strand (T on the coding strand, the reverse complement: SCN9A is on the minus strand). VCF-style (leftmost placement, unchanged base first): chr2-166228684-CA-C. GRCh37 (hg19) VCF-style: chr2-167085194-CA-C.
Other names: c.4173+6del (NM_002977.4).
Identifiers: ClinVar variation 1331277 (VCV001331277.7), dbSNP rs1375669515, ClinGen allele CA537511612.
Genomic context (GRCh38, chr2:166,228,684, plus strand): 5'-AGAATAACTTATATCCTTCGTCCAATATCTATTAAAATACCAAGCACTCATGAAATGGGA[CA>C]CTTACAACTTGAAGCAGAGATAGGTAACCAAGTCCGACATTATCAAAGTTCACTTTCAGG-3'

ClinVar aggregate classification (germline): Uncertain significance. Review status: criteria provided, multiple submitters, no conflicts (2 of 4 stars). 2 submissions from 2 submitters: Uncertain significance (2). Last evaluated 2021-09-10.

Conditions:
Neuropathy, hereditary sensory and autonomic, type 2A (HSAN2A). Also called: ACROOSTEOLYSIS, GIACCAI TYPE; ACROOSTEOLYSIS, NEUROGENIC; MORVAN DISEASE; NEUROPATHY, CONGENITAL SENSORY; NEUROPATHY, HEREDITARY SENSORY RADICULAR, AUTOSOMAL RECESSIVE; NEUROPATHY, HEREDITARY SENSORY, TYPE IIA. Identifiers: Orphanet 970, MedGen C2752089, MONDO:0024309, OMIM 201300.
Generalized epilepsy with febrile seizures plus, type 7 (GEFSP7). Also called: GEFS+, TYPE 7. Identifiers: Orphanet 36387, MedGen C2751778, MONDO:0013470, OMIM 613863.

Allele frequency attached by ClinVar (database versions not stated): gnomAD exomes below 0.00001.

Submissions (2):

Labcorp Genetics (formerly Invitae), Labcorp
Classification: Uncertain significance for Neuropathy, hereditary sensory and autonomic, type 2A; Generalized epilepsy with febrile seizures plus, type 7. Last evaluated: 2021-09-10. Review status: criteria provided, single submitter. Criteria: Invitae Variant Classification Sherloc (09022015). Collection method: clinical testing. Allele origin: germline.
Comment: In summary, the available evidence is currently insufficient to determine the role of this variant in disease. Therefore, it has been classified as a Variant of Uncertain Significance. Variants that disrupt the consensus splice site are a relatively common cause of aberrant splicing (PMID: 17576681, 9536098). Algorithms developed to predict the effect of sequence changes on RNA splicing suggest that this variant may disrupt the consensus splice site. This variant has not been reported in the literature in individuals affected with SCN9A-related conditions. This variant is not present in population databases (ExAC no frequency). This sequence change falls in intron 22 of the SCN9A gene. It does not directly change the encoded amino acid sequence of the SCN9A protein. It affects a nucleotide within the consensus splice site of the intron.

GeneDx
Classification: Uncertain significance. Last evaluated: 2021-06-30. Review status: criteria provided, single submitter. Criteria: GeneDx Variant Classification Process June 2021. Collection method: clinical testing. Allele origin: germline. Affected: yes.
Comment: Not observed at significant frequency in large population cohorts (Lek et al., 2016); In silico analysis supports a deleterious effect on splicing; Has not been previously published as pathogenic or benign to our knowledge; This variant is associated with the following publications: (PMID: 27535533)

Literature cited by the submitters: PubMed 17576681 (cited by Labcorp Genetics (formerly Invitae), Labcorp); PubMed 9536098 (cited by Labcorp Genetics (formerly Invitae), Labcorp).